The following is an entry in ClinVar:

ClinVar aggregate classification (germline): Likely pathogenic (0 of 4 stars; one submission).

Conditions:
MKKS-related disorder. Also called: MKKS-related condition; MKKS-related disorders.

Submission:

PreventionGenetics, part of Exact Sciences
Classification: Likely pathogenic for MKKS-related condition. Last evaluated: 2023-11-01. Review status: no assertion criteria provided. Collection method: clinical testing. Allele origin: germline.
Comment: The MKKS c.1114_1115insT variant is predicted to result in a frameshift and premature protein termination (p.Ser372Metfs*9). To our knowledge, this variant has not been reported in the literature or in a large population database, indicating this variant is rare. Frameshift variants in MKKS are expected to be pathogenic. This variant is interpreted as likely pathogenic.

NM_170784.3(MKKS):c.1114_1115insT (p.Ser372fs)

Gene: MKKS (MKKS centrosomal shuttling protein; minus strand). Cytogenetic location: 20p12.2.
Variant type: Insertion.
Coding change: c.1114_1115insT on transcript NM_170784.3 (MANE Select); coding-DNA positions 1114 to 1115, T inserted.
Protein change: p.Ser372fs; shifts the reading frame from serine 372.
Molecular consequence: frameshift variant. On other transcripts: non-coding transcript variant (1).
Genome position: GRCh38 VCF-style: chr20-10408674-C-CA. GRCh37 (hg19) VCF-style: chr20-10389322-C-CA.
Other names: c.1114_1115insT, p.Ser372fs (NM_018848.3); short protein forms S372fs.
Identifiers: ClinVar variation 3032959 (VCV003032959.2), dbSNP rs2514490385, ClinGen allele CA2740096999.